The following is an entry in ClinVar:

NM_000455.5(STK11):c.736_771del (p.Tyr246_Gly257del)

Gene: STK11 (serine/threonine kinase 11; plus strand). Cytogenetic location: 19p13.3.
Variant type: Deletion.
Coding change: c.736_771del on transcript NM_000455.5 (MANE Select); coding-DNA positions 736 to 771, 36 bases deleted.
Protein change: p.Tyr246_Gly257del.
Molecular consequence: non-coding transcript variant (on NR_176325.1).
Genome position (GRCh38, 1-based): chr19:1,221,214-1,221,249, 36 bases deleted. GRCh37 (hg19): chr19:1,221,213-1,221,248.
Other names: c.736_771del, p.Tyr246_Gly257del (NM_001407255.1).
Identifiers: ClinVar variation 3664233 (VCV003664233.2).

ClinVar aggregate classification (germline): Pathogenic (1 of 4 stars; one submission).

Conditions:
Peutz-Jeghers syndrome (PJS). Also called: POLYPOSIS, HAMARTOMATOUS INTESTINAL; POLYPS-AND-SPOTS SYNDROME; Peutz-Jeghers polyposis; Periorificial lentiginosis syndrome. Identifiers: Orphanet 2869, MedGen C0031269, MeSH D010580, MONDO:0008280, OMIM 175200.

Submission:

Labcorp Genetics (formerly Invitae), Labcorp
Classification: Pathogenic for Peutz-Jeghers syndrome. Last evaluated: 2024-09-02. Review status: criteria provided, single submitter. Criteria: Invitae Variant Classification Sherloc (09022015). Collection method: clinical testing. Allele origin: germline.
Comment: This variant, c.736_771del, results in the deletion of 12 amino acid(s) of the STK11 protein (p.Tyr246_Gly257del), but otherwise preserves the integrity of the reading frame. This variant is not present in population databases (gnomAD no frequency). This variant has not been reported in the literature in individuals affected with STK11-related conditions. This variant disrupts a region of the STK11 protein in which other variant(s) (p.Gly251Val) have been determined to be pathogenic (internal data). This suggests that this is a clinically significant region of the protein, and that variants that disrupt it are likely to be disease-causing. For these reasons, this variant has been classified as Pathogenic.